The following is an entry in ClinVar:

NM_022455.5(NSD1):c.3722G>C (p.Ser1241Thr)

Gene: NSD1 (nuclear receptor binding SET domain protein 1; plus strand). Cytogenetic location: 5q35.3.
Variant type: single nucleotide variant.
Coding change: c.3722G>C on transcript NM_022455.5 (MANE Select); coding-DNA position 3722, G replaced by C.
Protein change: p.Ser1241Thr; replaces serine 1241 with threonine.
Molecular consequence: missense variant.
Genome position (GRCh38, 1-based): chr5:177,212,121, G>C. VCF-style: chr5-177212121-G-C. GRCh37 (hg19) VCF-style: chr5-176639122-G-C.
Other names: c.2849G>C, p.Ser950Thr (NM_001365684.2, NM_001409306.1, NM_001409307.1 and 3 more transcripts); c.3722G>C, p.Ser1241Thr (NM_001409301.1, NM_001409302.1, NM_001409303.1); c.3302G>C, p.Ser1101Thr (NM_001409304.1); c.2969G>C, p.Ser990Thr (NM_001409305.1); short protein forms S1241T, S972T, S950T, S990T, S1101T.
Identifiers: ClinVar variation 159313 (VCV000159313.36), dbSNP rs138641637, ClinGen allele CA172810.
Genomic context (GRCh38, chr5:177,212,121, plus strand): 5'-AAAATCATGCTGACTGCTTAGATTCAGCTGGGCCACGGTTAAATGTTTGTGATAAATCCA[G>C]TGCCAGCATTGGTGACATGGAAAAGGAGCCAGGAATTCCCAGTTTGACACCACAGGCTGA-3'
Protein context (NP_071900.2, residues 1231-1251): GPRLNVCDKS[Ser1241Thr]ASIGDMEKEP

ClinVar aggregate classification (germline): Likely benign. Review status: criteria provided, multiple submitters, no conflicts (2 of 4 stars). 6 submissions from 5 submitters: Likely benign (5). 1 of the submissions does not count toward it. Last evaluated 2026-04-01.

Conditions:
Sotos syndrome (SOTOS). Also called: CHROMOSOME 5q35 DELETION SYNDROME; CEREBRAL GIGANTISM; Sotos' syndrome; Distinctive facial appearance, overgrowth in childhood, and learning disabilities or delayed development; SOTOS SYNDROME 1. Identifiers: Orphanet 821, MedGen C0175695, MONDO:0019349, OMIM 117550.
Inborn genetic diseases. Identifiers: MedGen C0950123, MeSH D030342.

Allele frequency attached by ClinVar (database versions not stated): gnomAD 0.00035; ExAC 0.00050; ESP Exome Variant Server 0.00054; TOPMed 0.00086; 1000 Genomes Project 0.00100; 1000 Genomes Project 30x 0.00141.
gnomAD v4.1: 1,214 of 1,614,004 alleles (0.075%); highest among the groups gnomAD compares: Admixed American, 0.25%; no homozygotes.

Submissions (6):

CeGaT Center for Human Genetics Tuebingen
Classification: Likely benign. Last evaluated: 2026-04-01. Review status: criteria provided, single submitter. Criteria: CeGaT Center For Human Genetics Tuebingen Variant Classification Criteria Version 2. Collection method: clinical testing. Allele origin: germline. Affected: yes. Observed: 4 variant alleles.
Comment: NSD1: PP2, BS1

Labcorp Genetics (formerly Invitae), Labcorp
Classification: Likely benign. Last evaluated: 2025-01-30. Review status: criteria provided, single submitter. Criteria: Invitae Variant Classification Sherloc (09022015). Collection method: clinical testing. Allele origin: germline.

Blueprint Genetics
Classification: Likely benign. Last evaluated: 2024-11-20. Review status: criteria provided, single submitter. Criteria: ACMG Guidelines, 2015. Collection method: clinical testing. Allele origin: germline.

Ambry Genetics
Classification: Likely benign for Inborn genetic diseases. Last evaluated: 2017-01-26. Review status: criteria provided, single submitter. Criteria: Ambry Variant Classification Scheme 2023. Collection method: clinical testing. Allele origin: germline.

Genetic Services Laboratory, University of Chicago
Classification: Likely benign. Last evaluated: 2013-02-08. Review status: criteria provided, single submitter. Criteria: ACMG Guidelines, 2007. Collection method: clinical testing. Allele origin: germline. Inheritance: Autosomal dominant inheritance.

Labcorp Genetics (formerly Invitae), Labcorp
Classification: Likely benign. Last evaluated: 2022-10-27. Review status: flagged submission. Criteria: Invitae Variant Classification Sherloc (09022015). Collection method: clinical testing. Allele origin: germline. Not counted in ClinVar's aggregate classification.
ClinVar note: Reason: This record appears to be redundant with a more recent record from the same submitter.
ClinVar note: Notes: SCV002426248 appears to be redundant with SCV000623203.